The following is an entry in ClinVar:

ClinVar aggregate classification (germline): Pathogenic. Review status: criteria provided, multiple submitters, no conflicts (2 of 4 stars). 2 submissions from 2 submitters: Pathogenic (2). Last evaluated 2022-07-12.

Conditions:
Early-infantile DEE. Also called: Early infantile epileptic encephalopathy with suppression bursts; Early infantile epileptic encephalopathy; Ohtahara syndrome. Identifiers: Orphanet 1934, MedGen C0393706, MONDO:0800491.
Severe myoclonic epilepsy in infancy (DRVT). Also called: Epileptic encephalopathy, early infantile, 6 (Dravet syndrome); DEVELOPMENTAL AND EPILEPTIC ENCEPHALOPATHY 6A; Severe Myoclonic Epilepsy in Infancy (SMEI); SEVERE MYOCLONIC EPILEPSY OF INFANCY; Dravet syndrome. Identifiers: Orphanet 33069, MedGen C0751122, MONDO:0100135, OMIM 607208.

Submissions (2):

Labcorp Genetics (formerly Invitae), Labcorp
Classification: Pathogenic for Early-infantile DEE. Last evaluated: 2022-07-12. Review status: criteria provided, single submitter. Criteria: Invitae Variant Classification Sherloc (09022015). Collection method: clinical testing. Allele origin: germline.
Comment: This sequence change affects an acceptor splice site in intron 4 of the SCN1A gene. It is expected to disrupt RNA splicing. Variants that disrupt the donor or acceptor splice site typically lead to a loss of protein function (PMID: 16199547), and loss-of-function variants in SCN1A are known to be pathogenic (PMID: 17347258, 18930999). This variant is not present in population databases (gnomAD no frequency). Disruption of this splice site has been observed in individual(s) with SCN1A-related conditions (PMID: 21719429, 27864847, 33278787). In at least one individual the variant was observed to be de novo. ClinVar contains an entry for this variant (Variation ID: 375513). Algorithms developed to predict the effect of sequence changes on RNA splicing suggest that this variant may disrupt the consensus splice site. For these reasons, this variant has been classified as Pathogenic.

Neurogenetics Laboratory - MEYER, AOU Meyer
Classification: Pathogenic for Severe myoclonic epilepsy in infancy. Last evaluated: 2016-11-16. Review status: criteria provided, single submitter. Criteria: ACMG Guidelines, 2015. Collection method: clinical testing. Allele origin: de novo. Affected: yes. Observed: 1 heterozygote.

Literature cited by the submitters: PubMed 16199547 (cited by Labcorp Genetics (formerly Invitae), Labcorp); PubMed 17347258 (cited by Labcorp Genetics (formerly Invitae), Labcorp); PubMed 18930999 (cited by Labcorp Genetics (formerly Invitae), Labcorp); PubMed 21719429 (cited by Labcorp Genetics (formerly Invitae), Labcorp); PubMed 27864847 (cited by Labcorp Genetics (formerly Invitae), Labcorp); PubMed 33278787 (cited by Labcorp Genetics (formerly Invitae), Labcorp).

NM_001165963.4(SCN1A):c.603-2A>G

Gene: SCN1A (sodium voltage-gated channel alpha subunit 1; minus strand). Cytogenetic location: 2q24.3.
Variant type: single nucleotide variant.
Coding change: c.603-2A>G on transcript NM_001165963.4 (MANE Select); the canonical splice acceptor site of the intron before coding-DNA position 603, A replaced by G.
Molecular consequence: splice acceptor variant.
Genome position (GRCh38, 1-based): chr2:166,052,945, T>C on the plus strand (A>G on the coding strand, the complement: SCN1A is on the minus strand). VCF-style: chr2-166052945-T-C. GRCh37 (hg19) VCF-style: chr2-166909455-T-C.
Other names: c.603-2A>G (NM_001353949.2, NM_001353958.2, NM_001353950.2 and 10 more transcripts); c.-1823-2A>G (NM_001353961.2).
Identifiers: ClinVar variation 375513 (VCV000375513.6), dbSNP rs1057519531, ClinGen allele CA16044316.